The following is an entry in ClinVar:

NM_006206.6(PDGFRA):c.2812G>A (p.Glu938Lys)

Gene: PDGFRA (platelet derived growth factor receptor alpha; plus strand). Cytogenetic location: 4q12.
Variant type: single nucleotide variant.
Coding change: c.2812G>A on transcript NM_006206.6 (MANE Select); coding-DNA position 2812, G replaced by A.
Protein change: p.Glu938Lys; replaces glutamic acid 938 with lysine.
Molecular consequence: missense variant.
Genome position (GRCh38, 1-based): chr4:54,289,046, G>A. VCF-style: chr4-54289046-G-A. GRCh37 (hg19) VCF-style: chr4-55155213-G-A.
Other names: c.2887G>A, p.Glu963Lys (NM_001347828.2); c.2812G>A, p.Glu938Lys (NM_001347829.2); c.2851G>A, p.Glu951Lys (NM_001347830.2); short protein forms E938K, E951K, E963K.
Identifiers: ClinVar variation 1796346 (VCV001796346.2), dbSNP rs1328843460, ClinGen allele CA356895730.

ClinVar aggregate classification (germline): Uncertain significance (1 of 4 stars; one submission).

Conditions:
Hereditary cancer-predisposing syndrome. Also called: Tumor predisposition; Hereditary Cancer Syndrome; Neoplastic Syndromes, Hereditary; Hereditary neoplastic syndrome. Identifiers: Orphanet 140162, MedGen C0027672, MeSH D009386, MONDO:0015356.

Submission:

Ambry Genetics
Classification: Uncertain significance for Hereditary cancer-predisposing syndrome. Last evaluated: 2022-06-23. Review status: criteria provided, single submitter. Criteria: Ambry Variant Classification Scheme 2023. Collection method: clinical testing. Allele origin: germline.
Comment: The p.E938K variant (also known as c.2812G>A), located in coding exon 20 of the PDGFRA gene, results from a G to A substitution at nucleotide position 2812. The glutamic acid at codon 938 is replaced by lysine, an amino acid with similar properties. This amino acid position is conserved. In addition, this alteration is predicted to be deleterious by in silico analysis. Since supporting evidence is limited at this time, the clinical significance of this alteration remains unclear.